The following is an entry in ClinVar:

ClinVar aggregate classification (germline): Uncertain significance (1 of 4 stars; one submission).

Conditions:
Progressive demyelinating neuropathy with bilateral striatal necrosis (THMD4). Also called: Thiamine metabolism dysfunction syndrome 4 (progressive polyneuropathy type); BILATERAL STRIATAL DEGENERATION AND PROGRESSIVE POLYNEUROPATHY; Thiamine Metabolism Dysfunction Syndrome 4 (THMD-4). Identifiers: Orphanet 217396, MedGen C3150973, MONDO:0013382, OMIM 613710.

Submission:

Neuberg Centre For Genomic Medicine, NCGM
Classification: Uncertain significance for Progressive demyelinating neuropathy with bilateral striatal necrosis. Review status: criteria provided, single submitter. Criteria: ACMG Guidelines, 2015. Collection method: clinical testing. Allele origin: germline. Inheritance: Autosomal recessive inheritance. Affected: yes.
Comment: The missense variant c.748G>A (p.Glu250Lys) in SLC25A19 gene has not been reported previously as a pathogenic variant nor as a benign variant, to our knowledge. The p.Glu250Lys variant is novel (not in any individuals) in gnomAD Exomes and 1000 Genomes. The amino acid Glu at position 250 is changed to a Lys changing protein sequence and it might alter its composition and physico-chemical properties. The variant is predicted to be damaging by PolyPhen2 and the residue is conserved across species. The amino acid change p.Glu250Lys in SLC25A19 is predicted as conserved by GERP++ and PhyloP across 100 vertebrates. For these reasons, this variant has been classified as Uncertain Significance .

NM_001126121.2(SLC25A19):c.748G>A (p.Glu250Lys)

Gene: SLC25A19 (solute carrier family 25 member 19; minus strand). Cytogenetic location: 17q25.1.
Variant type: single nucleotide variant.
Coding change: c.748G>A on transcript NM_001126121.2 (MANE Select); coding-DNA position 748, G replaced by A.
Protein change: p.Glu250Lys; replaces glutamic acid 250 with lysine.
Molecular consequence: missense variant.
Genome position (GRCh38, 1-based): chr17:75,277,379, C>T on the plus strand (G>A on the coding strand, the complement: SLC25A19 is on the minus strand). VCF-style: chr17-75277379-C-T. GRCh37 (hg19) VCF-style: chr17-73273460-C-T.
Other names: c.748G>A, p.Glu250Lys (NM_001126122.2, NM_021734.5); short protein forms E250K.
Identifiers: ClinVar variation 2585316 (VCV002585316.1), dbSNP rs2545161253, ClinGen allele CA401003441.